The following is an entry in ClinVar:

NM_198576.4(AGRN):c.608C>T (p.Pro203Leu)

Gene: AGRN (agrin; plus strand). Cytogenetic location: 1p36.33.
Variant type: single nucleotide variant.
Coding change: c.608C>T on transcript NM_198576.4 (MANE Select); coding-DNA position 608, C replaced by T.
Protein change: p.Pro203Leu; replaces proline 203 with leucine.
Molecular consequence: missense variant.
Genome position (GRCh38, 1-based): chr1:1,040,761, C>T. VCF-style: chr1-1040761-C-T. GRCh37 (hg19) VCF-style: chr1-976141-C-T.
Other names: c.608C>T, p.Pro203Leu (NM_001305275.2); c.293C>T, p.Pro98Leu (NM_001364727.2); short protein forms P203L, P98L.
Identifiers: ClinVar variation 1518451 (VCV001518451.8), dbSNP rs2100629640, ClinGen allele CA337822057.
Genomic context (GRCh38, chr1:1,040,761, plus strand): 5'-GCGAGCCCAACGCGGAGGGGCCGGGCCGGGCGTCCTGCGTCTGCAAGAAGAGCCCGTGCC[C>T]CAGCGTGGTGGCGCCTGTGTGTGGGTCGGACGCCTCCACCTACAGCAACGAATGCGAGCT-3'
Protein context (NP_940978.2, residues 193-213): ASCVCKKSPC[Pro203Leu]SVVAPVCGSD

ClinVar aggregate classification (germline): Uncertain significance (1 of 4 stars; one submission).

Conditions:
Congenital myasthenic syndrome 8. Also called: Myasthenic syndrome, congenital, 8, with pre- and postsynaptic defects; MYASTHENIC SYNDROME, CONGENITAL, DUE TO AGRIN DEFICIENCY. Identifiers: Orphanet 590, MedGen C3808739, MONDO:0014052, OMIM 615120.

Submission:

Labcorp Genetics (formerly Invitae), Labcorp
Classification: Uncertain significance for Congenital myasthenic syndrome 8. Last evaluated: 2022-07-19. Review status: criteria provided, single submitter. Criteria: Invitae Variant Classification Sherloc (09022015). Collection method: clinical testing. Allele origin: germline.
Comment: In summary, the available evidence is currently insufficient to determine the role of this variant in disease. Therefore, it has been classified as a Variant of Uncertain Significance. This sequence change replaces proline, which is neutral and non-polar, with leucine, which is neutral and non-polar, at codon 203 of the AGRN protein (p.Pro203Leu). This variant is not present in population databases (gnomAD no frequency). This variant has not been reported in the literature in individuals affected with AGRN-related conditions. ClinVar contains an entry for this variant (Variation ID: 1518451). Algorithms developed to predict the effect of missense changes on protein structure and function are either unavailable or do not agree on the potential impact of this missense change (SIFT: "Deleterious"; PolyPhen-2: "Possibly Damaging"; Align-GVGD: "Class C0").